The following is an entry in ClinVar:

ClinVar aggregate classification (germline): Uncertain significance. Review status: criteria provided, multiple submitters, no conflicts (2 of 4 stars). 5 submissions from 5 submitters: Uncertain significance (5). Last evaluated 2025-08-04.

Conditions:
RYR1-related disorder. Also called: RYR1-related disorders; RYR1-related condition. Identifiers: MedGen CN239331.
Congenital multicore myopathy with external ophthalmoplegia (CMYO1B). Also called: Congenital myopathy 1B, autosomal recessive; Minicore myopathy; MULTICORE MYOPATHY; Minicore myopathy with external ophthalmoplegia; MULTIMINICORE DISEASE WITH EXTERNAL OPHTHALMOPLEGIA. Identifiers: Orphanet 598, Orphanet 98905, MedGen C1850674, MONDO:0009712, OMIM 255320, HP:0003789.
Malignant hyperthermia, susceptibility to, 1 (MHS1). Also called: Anesthesia related hyperthermia; Malignant hyperpyrexia; Fulminating hyperpyrexia; Pharmacogenic myopathy; RYR1-Related Malignant Hyperthermia Susceptibility; Malignant hyperthermia suceptibility 1. Identifiers: Orphanet 423, MedGen C2930980, MONDO:0007783, OMIM 145600.
Congenital myopathy with fiber type disproportion. Also called: Congenital fiber-type disproportion myopathy; Congenital fiber-type disproportion. Identifiers: Orphanet 2020, MedGen C0546264, MONDO:0009711. Inheritance: all.
King Denborough syndrome (KDS). Identifiers: MedGen C1840365, MONDO:0020485, OMIM 619542.
Central core myopathy (CMYO1A). Also called: CONGENITAL MYOPATHY 1A, AUTOSOMAL DOMINANT, WITH SUSCEPTIBILITY TO MALIGNANT HYPERTHERMIA; Central core disease; Myopathy, central fibrillar. Identifiers: Orphanet 597, MedGen C5830701, MONDO:0007294, OMIM 117000.

Allele frequency attached by ClinVar (database versions not stated): ExAC 0.00001; gnomAD exomes 0.00002; TOPMed 0.00002; gnomAD 0.00003.

Submissions (5):

Labcorp Genetics (formerly Invitae), Labcorp
Classification: Uncertain significance for RYR1-related disorder. Last evaluated: 2025-08-04. Review status: criteria provided, single submitter. Criteria: Invitae Variant Classification Sherloc (09022015). Collection method: clinical testing. Allele origin: germline.
Comment: This sequence change replaces arginine, which is basic and polar, with histidine, which is basic and polar, at codon 241 of the RYR1 protein (p.Arg241His). This variant is present in population databases (rs552007612, gnomAD 0.009%). This variant has not been reported in the literature in individuals affected with RYR1-related conditions. ClinVar contains an entry for this variant (Variation ID: 430199). Invitae Evidence Modeling of protein sequence and biophysical properties (such as structural, functional, and spatial information, amino acid conservation, physicochemical variation, residue mobility, and thermodynamic stability) indicates that this missense variant is not expected to disrupt RYR1 protein function with a negative predictive value of 95%. In summary, the available evidence is currently insufficient to determine the role of this variant in disease. Therefore, it has been classified as a Variant of Uncertain Significance.

Color Diagnostics, LLC DBA Color Health
Classification: Uncertain significance for Malignant hyperthermia, susceptibility to, 1. Last evaluated: 2024-05-17. Review status: criteria provided, single submitter. Criteria: ACMG Guidelines, 2015. Collection method: clinical testing. Allele origin: germline.
Comment: This missense variant replaces arginine with histidine at codon 241 of the RYR1 protein. Computational prediction is inconclusive regarding the impact of this variant on protein structure and function. To our knowledge, functional studies have not been reported for this variant. This variant has not been reported in individuals affected with RYR1-related disorders in the literature. This variant has been identified in 4/251458 chromosomes in the general population by the Genome Aggregation Database (gnomAD). The available evidence is insufficient to determine the role of this variant in disease conclusively. Therefore, this variant is classified as a Variant of Uncertain Significance.

All of Us Research Program, National Institutes of Health
Classification: Uncertain significance for Malignant hyperthermia, susceptibility to, 1. Last evaluated: 2023-12-01. Review status: criteria provided, single submitter. Criteria: ACMG Guidelines, 2015. Collection method: clinical testing. Allele origin: germline. Inheritance: Autosomal dominant inheritance. Observed: 6 variant alleles, 6 heterozygotes.
Comment: This missense variant replaces arginine with histidine at codon 241 of the RYR1 protein. Computational prediction is inconclusive regarding the impact of this variant on protein structure and function (internally defined REVEL score threshold 0.5 < inconclusive < 0.7, PMID: 27666373). To our knowledge, functional studies have not been reported for this variant. This variant has not been reported in individuals affected with RYR1-related disorders in the literature. This variant has been identified in 4/251458 chromosomes in the general population by the Genome Aggregation Database (gnomAD). The available evidence is insufficient to determine the role of this variant in disease conclusively. Therefore, this variant is classified as a Variant of Uncertain Significance.

This study involves interpretation of variants in research participants for the purpose of population health screening. Participant phenotype was not available at the time of variant classification. Additional details can be found in publication PMID: 35346344, PMCID: PMC8962531

GeneDx
Classification: Uncertain significance. Last evaluated: 2023-01-27. Review status: criteria provided, single submitter. Criteria: GeneDx Variant Classification Process June 2021. Collection method: clinical testing. Allele origin: germline. Affected: yes.
Comment: Not observed at significant frequency in large population cohorts (gnomAD); In silico analysis supports that this missense variant does not alter protein structure/function; Has not been previously published as a pathogenic or benign germline variant to our knowledge; This variant is associated with the following publications: (PMID: 32686686)

Fulgent Genetics
Classification: Uncertain significance for Central core myopathy; Malignant hyperthermia, susceptibility to, 1; Congenital myopathy 4A, autosomal dominant; Congenital multicore myopathy with external ophthalmoplegia; King Denborough syndrome. Last evaluated: 2021-08-25. Review status: criteria provided, single submitter. Criteria: ACMG Guidelines, 2015. Collection method: clinical testing. Allele origin: unknown.

NM_000540.3(RYR1):c.722G>A (p.Arg241His)

Gene: RYR1 (ryanodine receptor 1; plus strand). Cytogenetic location: 19q13.2.
Variant type: single nucleotide variant.
Coding change: c.722G>A on transcript NM_000540.3 (MANE Select); coding-DNA position 722, G replaced by A.
Protein change: p.Arg241His; replaces arginine 241 with histidine.
Molecular consequence: missense variant.
Genome position (GRCh38, 1-based): chr19:38,446,562, G>A. VCF-style: chr19-38446562-G-A. GRCh37 (hg19) VCF-style: chr19-38937202-G-A.
Other names: c.722G>A, p.Arg241His (NM_001042723.2); short protein forms R241H.
Identifiers: ClinVar variation 430199 (VCV000430199.9), dbSNP rs552007612, ClinGen allele CA069330.